The following is an entry in ClinVar:

ClinVar aggregate classification (germline): Conflicting classifications of pathogenicity. Review status: criteria provided, conflicting classifications (1 of 4 stars). 3 submissions from 3 submitters: Uncertain significance (2); Likely benign (1). Last evaluated 2024-05-08.

Conditions:
Myoglobinuria, acute recurrent, autosomal recessive. Also called: MYOGLOBINURIA, FAMILIAL PAROXYSMAL PARALYTIC; RHABDOMYOLYSIS, ACUTE RECURRENT; Myoglobinuria, recurrent, autosomal recessive. Identifiers: Orphanet 99845, MedGen C1849386, MONDO:0009992, OMIM 268200.

Allele frequency attached by ClinVar (database versions not stated): ExAC 0.00004; gnomAD exomes 0.00005; TOPMed 0.00007; ESP Exome Variant Server 0.00008; gnomAD 0.00010 and 0.00011.
gnomAD v4.1: 101 of 1,614,004 alleles (0.0063%); highest among the groups gnomAD compares: African/African-American, 0.029%; 1 homozygote.

Submissions (3):

Labcorp Genetics (formerly Invitae), Labcorp
Classification: Uncertain significance. Last evaluated: 2024-05-08. Review status: criteria provided, single submitter. Criteria: Invitae Variant Classification Sherloc (09022015). Collection method: clinical testing. Allele origin: germline.
Comment: This sequence change replaces threonine, which is neutral and polar, with methionine, which is neutral and non-polar, at codon 145 of the LPIN1 protein (p.Thr145Met). This variant is present in population databases (rs201744351, gnomAD 0.008%). This variant has not been reported in the literature in individuals affected with LPIN1-related conditions. ClinVar contains an entry for this variant (Variation ID: 1027770). Advanced modeling of protein sequence and biophysical properties (such as structural, functional, and spatial information, amino acid conservation, physicochemical variation, residue mobility, and thermodynamic stability) performed at Invitae indicates that this missense variant is not expected to disrupt LPIN1 protein function with a negative predictive value of 80%. In summary, the available evidence is currently insufficient to determine the role of this variant in disease. Therefore, it has been classified as a Variant of Uncertain Significance.

Fulgent Genetics
Classification: Likely benign for Myoglobinuria, acute recurrent, autosomal recessive. Last evaluated: 2024-04-02. Review status: criteria provided, single submitter. Criteria: ACMG Guidelines, 2015. Collection method: clinical testing. Allele origin: germline.

Baylor Genetics
Classification: Uncertain significance for Myoglobinuria, acute recurrent, autosomal recessive. Last evaluated: 2019-04-19. Review status: criteria provided, single submitter. Criteria: ACMG Guidelines, 2015. Collection method: clinical testing. Allele origin: maternal. Affected: yes.
Comment: This variant was determined to be of uncertain significance according to ACMG Guidelines, 2015 [PMID:25741868].

NM_001349206.2(LPIN1):c.434C>T (p.Thr145Met)

Gene: LPIN1 (lipin 1; plus strand). Cytogenetic location: 2p25.1.
Variant type: single nucleotide variant.
Coding change: c.434C>T on transcript NM_001349206.2 (MANE Select); coding-DNA position 434, C replaced by T.
Protein change: p.Thr145Met; replaces threonine 145 with methionine.
Molecular consequence: missense variant. On other transcripts: non-coding transcript variant (1).
Genome position (GRCh38, 1-based): chr2:11,771,517, C>T. VCF-style: chr2-11771517-C-T. GRCh37 (hg19) VCF-style: chr2-11911643-C-T.
Other names: c.452C>T, p.Thr151Met (NM_001261427.3); c.581C>T, p.Thr194Met (NM_001261428.3, NM_001349208.2); c.434C>T, p.Thr145Met (NM_001349199.2, NM_001349200.2, NM_001349201.2 and 5 more transcripts); c.524C>T, p.Thr175Met (NM_001349207.2); short protein forms T151M, T175M, T194M, T145M.
Identifiers: ClinVar variation 1027770 (VCV001027770.5), dbSNP rs201744351, ClinGen allele CA1533428.